The following is an entry in ClinVar:

NM_000726.5(CACNB4):c.839T>C (p.Ile280Thr)

Gene: CACNB4 (calcium voltage-gated channel auxiliary subunit beta 4; minus strand). Cytogenetic location: 2q23.3.
Variant type: single nucleotide variant.
Coding change: c.839T>C on transcript NM_000726.5 (MANE Select); coding-DNA position 839, T replaced by C.
Protein change: p.Ile280Thr; replaces isoleucine 280 with threonine.
Molecular consequence: missense variant. On other transcripts: intron variant (3).
Genome position (GRCh38, 1-based): chr2:151,860,740, A>G on the plus strand (T>C on the coding strand, the complement: CACNB4 is on the minus strand). VCF-style: chr2-151860740-A-G. GRCh37 (hg19) VCF-style: chr2-152717254-A-G.
Other names: p.I280T:ATT>ACT; c.785T>C, p.Ile262Thr (NM_001005746.4); c.737T>C, p.Ile246Thr (NM_001005747.4); c.839T>C, p.Ile280Thr (NM_001145798.3); c.698T>C, p.Ile233Thr (NM_001320722.3, NM_001330118.2); c.185T>C, p.Ile62Thr (NM_001330114.2); c.281T>C, p.Ile94Thr (NM_001330117.2); c.626-5365T>C (NM_001330113.2); and 2 more; short protein forms I280T, I246T, I233T, I62T, I94T, I262T.
Identifiers: ClinVar variation 204929 (VCV000204929.2), dbSNP rs765961368, ClinGen allele CA313386.
Genomic context (GRCh38, chr2:151,860,740, plus strand): 5'-CTTGAAGAAGTACCACATTTGAACATCTTACCTAAGCTGGACCGGGTGTTCGAACGTTCA[A>G]TTATTGCTCTCTTGCTGGGATTATTTAGGACAGACCTCTTAGCAAGAGAAATGTCAGCTG-3'
Protein context (NP_000717.2, residues 270-290): VLNNPSKRAI[Ile280Thr]ERSNTRSSLA

ClinVar aggregate classification (germline): Uncertain significance (1 of 4 stars; one submission).

Allele frequency attached by ClinVar (database versions not stated): gnomAD 0.00001; gnomAD exomes 0.00002 and 0.00004; ExAC 0.00003; TOPMed 0.00003.
gnomAD v4.1: 35 of 1,613,484 alleles (0.0022%); highest among the groups gnomAD compares: South Asian, 0.02%; no homozygotes.

Submission:

GeneDx
Classification: Uncertain significance. Last evaluated: 2017-03-06. Review status: criteria provided, single submitter. Criteria: GeneDx Variant Classification (06012015). Collection method: clinical testing. Allele origin: germline. Affected: yes.
Comment: p.Ile280Thr (ATT>ACT): c.839 T>C in exon 10 of the CACNB4 gene (NM_000726.2). The I280T variant has not been published as a mutation, nor has it been reported as a benign polymorphism to our knowledge. It was not observed in approximately 6,000 individuals of European and African American ancestry in the NHLBI Exome Sequencing Project, indicating it is not a common benign variant in these populations. The I280T variant is a non-conservative amino acid substitution, which is likely to impact secondary protein structure as these residues differ in polarity, charge, size and/or other properties. This substitution occurs at a position that is conserved across species, and in silico analysis predicts this variant is probably damaging to the protein structure/function. However, other missense mutations in nearby residues have not been reported. Therefore, based on the currently available information, it is unclear whether the I280T variant is a pathogenic mutation or a rare benign variant. The variant is found in EPILEPSY panel(s).